The following is an entry in ClinVar:

NM_001001563.5(TIMM50):c.150G>T (p.Gly50=)

Gene: TIMM50 (translocase of inner mitochondrial membrane 50; plus strand). Cytogenetic location: 19q13.2.
Variant type: single nucleotide variant.
Coding change: c.150G>T on transcript NM_001001563.5 (MANE Select); coding-DNA position 150, G replaced by T.
Protein change: p.Gly50=; no amino-acid change (glycine 50 retained).
Molecular consequence: synonymous variant. On other transcripts: 5 prime UTR variant (1).
Genome position (GRCh38, 1-based): chr19:39,481,924, G>T. VCF-style: chr19-39481924-G-T. GRCh37 (hg19) VCF-style: chr19-39972564-G-T.
Other names: c.-131G>T (NM_001329559.2).
Identifiers: ClinVar variation 1587371 (VCV001587371.10), dbSNP rs2079474806, ClinGen allele CA507428903.

ClinVar aggregate classification (germline): Likely benign. Review status: criteria provided, multiple submitters, no conflicts (2 of 4 stars). 2 submissions from 2 submitters: Likely benign (2). Last evaluated 2026-05-01.

Allele frequency attached by ClinVar (database versions not stated): TOPMed below 0.00001.

Submissions (2):

CeGaT Center for Human Genetics Tuebingen
Classification: Likely benign. Last evaluated: 2026-05-01. Review status: criteria provided, single submitter. Criteria: CeGaT Center For Human Genetics Tuebingen Variant Classification Criteria Version 2. Collection method: clinical testing. Allele origin: germline. Affected: yes. Observed: 1 variant allele.
Comment: TIMM50: PM2:Supporting, BP4, BP7

Labcorp Genetics (formerly Invitae), Labcorp
Classification: Likely benign. Last evaluated: 2024-07-12. Review status: criteria provided, single submitter. Criteria: Invitae Variant Classification Sherloc (09022015). Collection method: clinical testing. Allele origin: germline.